The following is an entry in ClinVar:

ClinVar aggregate classification (germline): Uncertain significance (1 of 4 stars; one submission).

Allele frequency attached by ClinVar (database versions not stated): gnomAD exomes below 0.00001; gnomAD 0.00001; ExAC 0.00002; TOPMed 0.00002; 1000 Genomes Project 30x 0.00016; 1000 Genomes Project 0.00020.

Submission:

Labcorp Genetics (formerly Invitae), Labcorp
Classification: Uncertain significance. Last evaluated: 2024-10-15. Review status: criteria provided, single submitter. Criteria: Invitae Variant Classification Sherloc (09022015). Collection method: clinical testing. Allele origin: germline.
Comment: This sequence change replaces glycine, which is neutral and non-polar, with arginine, which is basic and polar, at codon 60 of the CDH3 protein (p.Gly60Arg). This variant is present in population databases (rs191945631, gnomAD 0.008%). This variant has not been reported in the literature in individuals affected with CDH3-related conditions. ClinVar contains an entry for this variant (Variation ID: 1967583). An algorithm developed to predict the effect of missense changes on protein structure and function outputs the following: PolyPhen-2: "Benign". The arginine amino acid residue is found in multiple mammalian species, which suggests that this missense change does not adversely affect protein function. In summary, the available evidence is currently insufficient to determine the role of this variant in disease. Therefore, it has been classified as a Variant of Uncertain Significance.

NM_001793.6(CDH3):c.178G>C (p.Gly60Arg)

Gene: CDH3 (cadherin 3; plus strand). Cytogenetic location: 16q22.1.
Variant type: single nucleotide variant.
Coding change: c.178G>C on transcript NM_001793.6 (MANE Select); coding-DNA position 178, G replaced by C.
Protein change: p.Gly60Arg; replaces glycine 60 with arginine.
Molecular consequence: missense variant.
Genome position (GRCh38, 1-based): chr16:68,676,402, G>C. VCF-style: chr16-68676402-G-C. GRCh37 (hg19) VCF-style: chr16-68710305-G-C.
Other names: c.178G>C, p.Gly60Arg (NM_001317195.3); c.13G>C, p.Gly5Arg (NM_001317196.2); short protein forms G60R, G5R.
Identifiers: ClinVar variation 1967583 (VCV001967583.4), dbSNP rs191945631, ClinGen allele CA8128947.